The following is an entry in ClinVar:

ClinVar aggregate classification (germline): Pathogenic/Likely pathogenic. Review status: criteria provided, multiple submitters, no conflicts (2 of 4 stars). 3 submissions from 3 submitters: Pathogenic (1); Likely pathogenic (2). Last evaluated 2025-08-23.

Conditions:
Epilepsy, familial focal, with variable foci 1 (FFEVF1). Also called: DEPDC5-Related Epilepsy. Identifiers: MedGen C4551983, MONDO:0024556, OMIM 604364.

Allele frequency attached by ClinVar (database versions not stated): gnomAD exomes below 0.00001.
gnomAD v4.1: 1 of 1,613,804 alleles (0.000062%); highest among the groups gnomAD compares: Non-Finnish European, 0.000085%; no homozygotes.

Submissions (3):

GeneDx
Classification: Pathogenic. Last evaluated: 2025-08-23. Review status: criteria provided, single submitter. Criteria: GeneDx Variant Classification Process June 2021. Collection method: clinical testing. Allele origin: germline. Affected: yes.
Comment: Reported in a patient with ectrodactyly, bilateral cleft lip and palate, feeding difficulties, abnormal EEG, and tremors who also harbored a variant in the FGFR1 gene (PMID: 38431799); Canonical splice site variant predicted to result in a null allele in a gene for which loss of function is a known mechanism of disease; Not observed at significant frequency in large population cohorts (gnomAD); This variant is associated with the following publications: (PMID: 38431799)

Baylor Genetics
Classification: Likely pathogenic for Epilepsy, familial focal, with variable foci 1. Last evaluated: 2022-09-20. Review status: criteria provided, single submitter. Criteria: ACMG Guidelines, 2015. Collection method: clinical testing. Allele origin: unknown.

Wangler Lab, Baylor College of Medicine
Classification: Likely pathogenic for Epilepsy, familial focal, with variable foci 1. Review status: criteria provided, single submitter. Criteria: ACMG Guidelines, 2015. Collection method: clinical testing. Allele origin: paternal. Inheritance: Autosomal dominant inheritance. Affected: yes.
Comment: This splice donor DEPDC5 variant at c.413+1G>A was seen on exome through the Texome project (R01HG011795).This variant has been observed in gnomAD with a frequency of <0.001%.This variant is predicted to disrupt the splicing donor site which may cause exon skipping, intron retention, or other splicing defects (SpliceAI: 0.900). We believe this variant is likely pathogenic.

NM_001242896.3(DEPDC5):c.413+1G>A

Gene: DEPDC5 (DEP domain containing 5, GATOR1 subcomplex subunit; plus strand). Cytogenetic location: 22q12.2.
Variant type: single nucleotide variant.
Coding change: c.413+1G>A on transcript NM_001242896.3 (MANE Select); the canonical splice donor site of the intron after coding-DNA position 413, G replaced by A.
Molecular consequence: splice donor variant.
Genome position (GRCh38, 1-based): chr22:31,768,864, G>A. VCF-style: chr22-31768864-G-A. GRCh37 (hg19) VCF-style: chr22-32164850-G-A.
Other names: c.413+1G>A (NM_001364318.2, NM_001136029.4, NM_014662.6 and 7 more transcripts); c.329+1G>A (NM_001369902.1, NM_001369901.1).
Identifiers: ClinVar variation 1712487 (VCV001712487.4), dbSNP rs1242036108, ClinGen allele CA411283440.